The following is an entry in ClinVar:

ClinVar aggregate classification (germline): Uncertain significance (1 of 4 stars; one submission).

Allele frequency attached by ClinVar (database versions not stated): TOPMed below 0.00001; gnomAD exomes 0.00002; ExAC 0.00004.
gnomAD v4.1: 14 of 1,614,106 alleles (0.00087%); highest among the groups gnomAD compares: Non-Finnish European, 0.0011%; no homozygotes.

Submission:

Labcorp Genetics (formerly Invitae), Labcorp
Classification: Uncertain significance. Last evaluated: 2023-08-25. Review status: criteria provided, single submitter. Criteria: Invitae Variant Classification Sherloc (09022015). Collection method: clinical testing. Allele origin: germline.
Comment: In summary, the available evidence is currently insufficient to determine the role of this variant in disease. Therefore, it has been classified as a Variant of Uncertain Significance. An algorithm developed to predict the effect of missense changes on protein structure and function (PolyPhen-2) suggests that this variant is likely to be disruptive. ClinVar contains an entry for this variant (Variation ID: 1407111). This missense change has been observed in individual(s) with Alzheimer disease (PMID: 28595629). This variant is present in population databases (rs777194720, gnomAD 0.005%). This sequence change replaces glycine, which is neutral and non-polar, with alanine, which is neutral and non-polar, at codon 1732 of the SORL1 protein (p.Gly1732Ala).

Literature cited by the submitters: PubMed 28595629.

NM_003105.6(SORL1):c.5195G>C (p.Gly1732Ala)

Gene: SORL1 (sortilin related receptor 1; plus strand). Cytogenetic location: 11q24.1.
Variant type: single nucleotide variant.
Coding change: c.5195G>C on transcript NM_003105.6 (MANE Select); coding-DNA position 5195, G replaced by C.
Protein change: p.Gly1732Ala; replaces glycine 1732 with alanine.
Molecular consequence: missense variant.
Genome position (GRCh38, 1-based): chr11:121,608,132, G>C. VCF-style: chr11-121608132-G-C. GRCh37 (hg19) VCF-style: chr11-121478841-G-C.
Other names: short protein forms G1732A.
Identifiers: ClinVar variation 1407111 (VCV001407111.8), dbSNP rs777194720, ClinGen allele CA6329870.
Genomic context (GRCh38, chr11:121,608,132, plus strand): 5'-TTTCATATTAATTCACCCTCTGATTTGAAAAGGTGGCTGCGGTGACTAGTCGTGGAATAG[G>C]AAACTGGAGCGATTCTAAATCCATTACCACCATAAAAGGAAAAGGTAAATGATCCCAGCA-3'
Protein context (NP_003096.2, residues 1722-1742): RVAAVTSRGI[Gly1732Ala]NWSDSKSITT